The following is an entry in ClinVar:

ClinVar aggregate classification (germline): Uncertain significance. Review status: criteria provided, multiple submitters, no conflicts (2 of 4 stars). 2 submissions from 2 submitters: Uncertain significance (2). Last evaluated 2025-12-24.

Allele frequency attached by ClinVar (database versions not stated): gnomAD exomes below 0.00001; TOPMed 0.00001; gnomAD 0.00002.
gnomAD v4.1: 5 of 1,611,988 alleles (0.00031%); highest among the groups gnomAD compares: Middle Eastern, 0.016%; no homozygotes.

Submissions (2):

Labcorp Genetics (formerly Invitae), Labcorp
Classification: Uncertain significance. Last evaluated: 2025-12-24. Review status: criteria provided, single submitter. Criteria: Invitae Variant Classification Sherloc (09022015). Collection method: clinical testing. Allele origin: germline.
Comment: This sequence change replaces isoleucine, which is neutral and non-polar, with valine, which is neutral and non-polar, at codon 295 of the NPAT protein (p.Ile295Val). This variant is not present in population databases (gnomAD no frequency). This variant has not been reported in the literature in individuals affected with NPAT-related conditions. ClinVar contains an entry for this variant (Variation ID: 1764831). An algorithm developed to predict the effect of missense changes on protein structure and function (PolyPhen-2) suggests that this variant is likely to be tolerated. In summary, the available evidence is currently insufficient to determine the role of this variant in disease. Therefore, it has been classified as a Variant of Uncertain Significance.

Ambry Genetics
Classification: Uncertain significance. Last evaluated: 2025-05-20. Review status: criteria provided, single submitter. Criteria: Ambry Variant Classification Scheme 2023. Collection method: clinical testing. Allele origin: germline.

NM_002519.3(NPAT):c.883A>G (p.Ile295Val)

Gene: NPAT (nuclear protein, coactivator of histone transcription; minus strand). Cytogenetic location: 11q22.3.
Variant type: single nucleotide variant.
Coding change: c.883A>G on transcript NM_002519.3 (MANE Select); coding-DNA position 883, A replaced by G.
Protein change: p.Ile295Val; replaces isoleucine 295 with valine.
Molecular consequence: missense variant.
Genome position (GRCh38, 1-based): chr11:108,185,255, T>C on the plus strand (A>G on the coding strand, the complement: NPAT is on the minus strand). VCF-style: chr11-108185255-T-C. GRCh37 (hg19) VCF-style: chr11-108055982-T-C.
Other names: c.883A>G, p.Ile295Val (NM_001321307.1); short protein forms I295V.
Identifiers: ClinVar variation 1764831 (VCV001764831.4), dbSNP rs1131748, ClinGen allele CA228397346.